The following is an entry in ClinVar:

ClinVar aggregate classification (germline): Uncertain significance (1 of 4 stars; one submission).

Conditions:
KBG syndrome (KBGS). Also called: ANKRD11-Related KBG Syndrome. Identifiers: Orphanet 2332, MedGen C0220687, MONDO:0007846, OMIM 148050.

Allele frequency attached by ClinVar (database versions not stated): gnomAD 0.00001; gnomAD exomes 0.00001; TOPMed 0.00002.
gnomAD v4.1: 14 of 1,609,194 alleles (0.00087%); highest among the groups gnomAD compares: Non-Finnish European, 0.0011%; no homozygotes.

Submission:

Labcorp Genetics (formerly Invitae), Labcorp
Classification: Uncertain significance for KBG syndrome. Last evaluated: 2023-03-11. Review status: criteria provided, single submitter. Criteria: Invitae Variant Classification Sherloc (09022015). Collection method: clinical testing. Allele origin: germline.
Comment: This variant has not been reported in the literature in individuals affected with ANKRD11-related conditions. This variant is present in population databases (no rsID available, gnomAD 0.0009%). This sequence change replaces histidine, which is basic and polar, with tyrosine, which is neutral and polar, at codon 1720 of the ANKRD11 protein (p.His1720Tyr). In summary, the available evidence is currently insufficient to determine the role of this variant in disease. Therefore, it has been classified as a Variant of Uncertain Significance. Advanced modeling of protein sequence and biophysical properties (such as structural, functional, and spatial information, amino acid conservation, physicochemical variation, residue mobility, and thermodynamic stability) performed at Invitae indicates that this missense variant is not expected to disrupt ANKRD11 protein function.

NM_013275.6(ANKRD11):c.5158C>T (p.His1720Tyr)

Gene: ANKRD11 (ankyrin repeat domain 11; minus strand). Cytogenetic location: 16q24.3.
Variant type: single nucleotide variant.
Coding change: c.5158C>T on transcript NM_013275.6 (MANE Select); coding-DNA position 5158, C replaced by T.
Protein change: p.His1720Tyr; replaces histidine 1720 with tyrosine.
Molecular consequence: missense variant.
Genome position (GRCh38, 1-based): chr16:89,281,384, G>A on the plus strand (C>T on the coding strand, the complement: ANKRD11 is on the minus strand). VCF-style: chr16-89281384-G-A. GRCh37 (hg19) VCF-style: chr16-89347792-G-A.
Other names: c.5158C>T, p.His1720Tyr (NM_001256182.2, NM_001256183.2); short protein forms H1720Y.
Identifiers: ClinVar variation 2972623 (VCV002972623.3), dbSNP rs1394966920, ClinGen allele CA397155389.